The following is an entry in ClinVar:

ClinVar aggregate classification (germline): Benign/Likely benign. Review status: criteria provided, multiple submitters, no conflicts (2 of 4 stars). 5 submissions from 5 submitters: Benign (3); Likely benign (2). Last evaluated 2025-04-13.

Conditions:
Cardiac arrhythmia. Also called: Cardiac rhythm disease; Arrhythmia. Identifiers: MedGen C0003811, MONDO:0007263, HP:0011675.
Long QT syndrome (LQTS). Identifiers: MedGen C0023976, MeSH D008133, MONDO:0002442. Disease mechanism: loss of function. Inheritance: Various modes of inheritance.
Cardiovascular phenotype. Identifiers: MedGen CN230736.

Allele frequency attached by ClinVar (database versions not stated): TOPMed 0.00002; gnomAD 0.00003; gnomAD exomes 0.00005 and 0.00013; ExAC 0.00014; 1000 Genomes Project 0.00040; 1000 Genomes Project 30x 0.00047.
gnomAD v4.1: 76 of 1,614,128 alleles (0.0047%); highest among the groups gnomAD compares: South Asian, 0.079%; no homozygotes.

Submissions (5):

Ambry Genetics
Classification: Likely benign for Cardiovascular phenotype. Last evaluated: 2025-04-13. Review status: criteria provided, single submitter. Criteria: Ambry Variant Classification Scheme 2023. Collection method: clinical testing. Allele origin: germline.

Blueprint Genetics
Classification: Likely benign. Last evaluated: 2024-10-08. Review status: criteria provided, single submitter. Criteria: ACMG Guidelines, 2015. Collection method: clinical testing. Allele origin: germline.

Labcorp Genetics (formerly Invitae), Labcorp
Classification: Benign for Long QT syndrome. Last evaluated: 2024-01-02. Review status: criteria provided, single submitter. Criteria: Invitae Variant Classification Sherloc (09022015). Collection method: clinical testing. Allele origin: germline.

All of Us Research Program, National Institutes of Health
Classification: Benign for Long QT syndrome. Last evaluated: 2023-04-27. Review status: criteria provided, single submitter. Criteria: ACMG Guidelines, 2015. Collection method: clinical testing. Allele origin: germline. Inheritance: Autosomal dominant inheritance. Observed: 1 variant allele, 1 heterozygote.
Comment: This study involves interpretation of variants in research participants for the purpose of population health screening. Participant phenotype was not available at the time of variant classification. Additional details can be found in publication PMID: 35346344, PMCID: PMC8962531

Color Diagnostics, LLC DBA Color Health
Classification: Benign for Arrhythmia. Last evaluated: 2019-10-01. Review status: criteria provided, single submitter. Criteria: ACMG Guidelines, 2015. Collection method: clinical testing. Allele origin: germline.

NM_000238.4(KCNH2):c.2412C>A (p.Ile804=)

Gene: KCNH2 (potassium voltage-gated channel subfamily H member 2; minus strand). Cytogenetic location: 7q36.1.
Variant type: single nucleotide variant.
Coding change: c.2412C>A on transcript NM_000238.4 (MANE Select); coding-DNA position 2412, C replaced by A.
Protein change: p.Ile804=; no amino-acid change (isoleucine 804 retained).
Molecular consequence: synonymous variant.
Genome position (GRCh38, 1-based): chr7:150,949,036, G>T on the plus strand (C>A on the coding strand, the complement: KCNH2 is on the minus strand). VCF-style: chr7-150949036-G-T. GRCh37 (hg19) VCF-style: chr7-150646124-G-T.
Other names: c.1392C>A, p.Ile464= (NM_172057.3).
Identifiers: ClinVar variation 923095 (VCV000923095.16), dbSNP rs551139237, ClinGen allele CA032681.